The following is an entry in ClinVar:

NM_000352.6(ABCC8):c.4016C>T (p.Pro1339Leu)

Gene: ABCC8 (ATP binding cassette subfamily C member 8; minus strand). Cytogenetic location: 11p15.1.
Variant type: single nucleotide variant.
Coding change: c.4016C>T on transcript NM_000352.6 (MANE Select); coding-DNA position 4016, C replaced by T.
Protein change: p.Pro1339Leu; replaces proline 1339 with leucine.
Molecular consequence: missense variant. On other transcripts: non-coding transcript variant (1).
Genome position (GRCh38, 1-based): chr11:17,397,019, G>A on the plus strand (C>T on the coding strand, the complement: ABCC8 is on the minus strand). VCF-style: chr11-17397019-G-A. GRCh37 (hg19) VCF-style: chr11-17418566-G-A.
Other names: c.4016C>T (NM_000352.4); c.4019C>T, p.Pro1340Leu (NM_001287174.3); c.4082C>T, p.Pro1361Leu (NM_001351295.2); c.4016C>T, p.Pro1339Leu (NM_001351296.2); c.4013C>T, p.Pro1338Leu (NM_001351297.2); short protein forms P1338L, P1339L, P1340L, P1361L.
Identifiers: ClinVar variation 3573700 (VCV003573700.2).

ClinVar aggregate classification (germline): Uncertain significance. Review status: criteria provided, multiple submitters, no conflicts (2 of 4 stars). 2 submissions from 2 submitters: Uncertain significance (2). Last evaluated 2025-06-03.

Conditions:
ABCC8-related disorder.

gnomAD v4.1: 1 of 1,614,090 alleles (0.000062%); highest among the groups gnomAD compares: Non-Finnish European, 0.000085%; no homozygotes.

Submissions (2):

PreventionGenetics, part of Exact Sciences
Classification: Uncertain significance for ABCC8-related condition. Last evaluated: 2025-06-03. Review status: criteria provided, single submitter. Criteria: ACMG Guidelines, 2015. Collection method: clinical testing. Allele origin: germline.
Comment: The ABCC8 c.4016C>T variant is predicted to result in the amino acid substitution p.Pro1339Leu. To our knowledge, this variant has not been reported in the literature or in a large population database (gnomAD), indicating this variant is rare. At this time, the clinical significance of this variant is uncertain due to the absence of conclusive functional and genetic evidence.

GeneDx
Classification: Uncertain significance. Last evaluated: 2024-07-16. Review status: criteria provided, single submitter. Criteria: GeneDx Variant Classification Process June 2021. Collection method: clinical testing. Allele origin: germline. Affected: yes.
Comment: Not observed at significant frequency in large population cohorts (gnomAD); In silico analysis supports that this missense variant has a deleterious effect on protein structure/function; Has not been previously published as pathogenic or benign to our knowledge